The following is an entry in ClinVar:

ClinVar aggregate classification (germline): Likely pathogenic (1 of 4 stars; one submission).

Conditions:
SCAPER-related disorder. Also called: SCAPER-related condition.

gnomAD v4.1: 4 of 1,613,880 alleles (0.00025%); highest among the groups gnomAD compares: Non-Finnish European, 0.00034%; no homozygotes.

Submission:

PreventionGenetics, part of Exact Sciences
Classification: Likely pathogenic for SCAPER-related condition. Last evaluated: 2025-08-19. Review status: criteria provided, single submitter. Criteria: ACMG Guidelines, 2015. Collection method: clinical testing. Allele origin: germline.
Comment: The SCAPER c.3642C>A variant is predicted to result in premature protein termination (p.Tyr1214*). To our knowledge, this variant has not been reported in the literature. This variant is reported in 0.00089% of alleles in individuals of European (Non-Finnish) descent in gnomAD. Nonsense variants in SCAPER are expected to be pathogenic. This variant is interpreted as likely pathogenic.

NM_020843.4(SCAPER):c.3624C>A (p.Tyr1208Ter)

Gene: SCAPER (S-phase cyclin A associated protein in the ER; minus strand). Cytogenetic location: 15q24.3.
Variant type: single nucleotide variant.
Coding change: c.3624C>A on transcript NM_020843.4 (MANE Select); coding-DNA position 3624, C replaced by A.
Protein change: p.Tyr1208Ter; replaces tyrosine 1208 with a stop codon.
Molecular consequence: nonsense. On other transcripts: non-coding transcript variant (1).
Genome position (GRCh38, 1-based): chr15:76,381,459, G>T on the plus strand (C>A on the coding strand, the complement: SCAPER is on the minus strand). VCF-style: chr15-76381459-G-T. GRCh37 (hg19) VCF-style: chr15-76673800-G-T.
Other names: c.2886C>A, p.Tyr962Ter (NM_001145923.2); c.3642C>A, p.Tyr1214Ter (NM_001353009.2); c.3222C>A, p.Tyr1074Ter (NM_001353010.2, NM_001353012.2); c.3240C>A, p.Tyr1080Ter (NM_001353011.2); short protein forms Y1208*, Y1214*, Y1080*, Y962*, Y1074*.
Identifiers: ClinVar variation 4981496 (VCV004981496.1).